The following is an entry in ClinVar:

ClinVar aggregate classification (germline): Uncertain significance (1 of 4 stars; one submission).

Submission:

GeneDx
Classification: Uncertain significance. Last evaluated: 2019-08-13. Review status: criteria provided, single submitter. Criteria: GeneDx Variant Classification Process June 2021. Collection method: clinical testing. Allele origin: germline. Affected: yes.
Comment: Not observed in large population cohorts (Lek et al., 2016); In silico analysis, which includes protein predictors and evolutionary conservation, supports that this variant does not alter protein structure/function; Has not been previously published as pathogenic or benign to our knowledge

NM_001110556.2(FLNA):c.6092C>T (p.Ala2031Val)

Gene: FLNA (filamin A; minus strand). Cytogenetic location: Xq28.
Variant type: single nucleotide variant.
Coding change: c.6092C>T on transcript NM_001110556.2 (MANE Select); coding-DNA position 6092, C replaced by T.
Protein change: p.Ala2031Val; replaces alanine 2031 with valine.
Molecular consequence: missense variant.
Genome position (GRCh38, 1-based): chrX:154,353,135, G>A on the plus strand (C>T on the coding strand, the complement: FLNA is on the minus strand). VCF-style: chrX-154353135-G-A. GRCh37 (hg19) VCF-style: chrX-153581503-G-A.
Other names: c.6068C>T, p.Ala2023Val (NM_001456.4); short protein forms A2023V, A2031V.
Identifiers: ClinVar variation 1307447 (VCV001307447.2), dbSNP rs2148105098, ClinGen allele CA415196180.